The following is an entry in ClinVar:

NM_017986.4(SLC52A1):c.702A>T (p.Gln234His)

Gene: SLC52A1 (solute carrier family 52 member 1; minus strand). Cytogenetic location: 17p13.2.
Variant type: single nucleotide variant.
Coding change: c.702A>T on transcript NM_017986.4 (MANE Select); coding-DNA position 702, A replaced by T.
Protein change: p.Gln234His; replaces glutamine 234 with histidine.
Molecular consequence: missense variant.
Genome position (GRCh38, 1-based): chr17:5,033,787, T>A on the plus strand (A>T on the coding strand, the complement: SLC52A1 is on the minus strand). VCF-style: chr17-5033787-T-A. GRCh37 (hg19) VCF-style: chr17-4937082-T-A.
Other names: c.702A>T, p.Gln234His (NM_001104577.2); short protein forms Q234H.
Identifiers: ClinVar variation 850064 (VCV000850064.11), dbSNP rs751989574, ClinGen allele CA287195018.
Genomic context (GRCh38, chr17:5,033,787, plus strand): 5'-CTGCAATGGCAAAGCCTCTTCTTCCTCCTTCTCTTCCTCCTCTGCTCCTGGGGATCCCAG[T>A]TGAAGTTCAGGCCCTGAGCCCCCTGTGGTTACAGAGGGTAGTGATGGCAACAGCAACAGG-3'
Protein context (NP_060456.3, residues 224-244): VTTGGSGPEL[Gln234His]LGSPGAEEEE

ClinVar aggregate classification (germline): Uncertain significance (1 of 4 stars; one submission).

Conditions:
Vitamin B2 deficiency. Identifiers: MedGen C0035528.

Allele frequency attached by ClinVar (database versions not stated): gnomAD 0.00001; TOPMed 0.00002.

Submission:

Labcorp Genetics (formerly Invitae), Labcorp
Classification: Uncertain significance for Vitamin B2 deficiency. Last evaluated: 2024-02-15. Review status: criteria provided, single submitter. Criteria: Invitae Variant Classification Sherloc (09022015). Collection method: clinical testing. Allele origin: germline.
Comment: This sequence change replaces glutamine, which is neutral and polar, with histidine, which is basic and polar, at codon 234 of the SLC52A1 protein (p.Gln234His). This variant is present in population databases (no rsID available, gnomAD 0.0009%). This variant has not been reported in the literature in individuals affected with SLC52A1-related conditions. ClinVar contains an entry for this variant (Variation ID: 850064). Advanced modeling of protein sequence and biophysical properties (such as structural, functional, and spatial information, amino acid conservation, physicochemical variation, residue mobility, and thermodynamic stability) performed at Invitae indicates that this missense variant is not expected to disrupt SLC52A1 protein function with a negative predictive value of 80%. In summary, the available evidence is currently insufficient to determine the role of this variant in disease. Therefore, it has been classified as a Variant of Uncertain Significance.